The following is an entry in ClinVar:

ClinVar aggregate classification (germline): Uncertain significance (1 of 4 stars; one submission).

Conditions:
NRP1-related disorder. Also called: NRP1-related condition.

gnomAD v4.1: 3 of 1,614,050 alleles (0.00019%); highest among the groups gnomAD compares: Non-Finnish European, 0.00025%; no homozygotes.

Submission:

PreventionGenetics, part of Exact Sciences
Classification: Uncertain significance for NRP1-related condition. Last evaluated: 2026-07-10. Review status: criteria provided, single submitter. Criteria: ACMG Guidelines, 2015. Collection method: clinical testing. Allele origin: germline.
Comment: The NRP1 c.1397C>T variant is predicted to result in the amino acid substitution p.Thr466Ile. To our knowledge, this variant has not been reported in the literature or in a large population database (gnomAD), indicating this variant is rare. At this time, the clinical significance of this variant is uncertain due to the absence of conclusive functional and genetic evidence.

NM_003873.7(NRP1):c.1397C>T (p.Thr466Ile)

Gene: NRP1 (neuropilin 1; minus strand). Cytogenetic location: 10p11.22.
Variant type: single nucleotide variant.
Coding change: c.1397C>T on transcript NM_003873.7 (MANE Select); coding-DNA position 1397, C replaced by T.
Protein change: p.Thr466Ile; replaces threonine 466 with isoleucine.
Molecular consequence: missense variant. On other transcripts: non-coding transcript variant (1).
Genome position (GRCh38, 1-based): chr10:33,213,603, G>A on the plus strand (C>T on the coding strand, the complement: NRP1 is on the minus strand). VCF-style: chr10-33213603-G-A. GRCh37 (hg19) VCF-style: chr10-33502531-G-A.
Other names: c.1397C>T, p.Thr466Ile (NM_001024628.3, NM_001024629.3, NM_001244972.2 and 2 more transcripts); short protein forms T466I.
Identifiers: ClinVar variation 4985494 (VCV004985494.1).
Genomic context (GRCh38, chr10:33,213,603, plus strand): 5'-TGGAGCCACTCATTGATGTAGGAATGAGGTGCGGGTGGAAGTGCCCAGCCAGAGCGACTG[G>A]TTACCAGGCGGATGTTTTCAGGCATCCAGTTTCTGTCCCCTTGGTTGGATGATGTGATCT-3'
Protein context (NP_003864.5, residues 456-476): NWMPENIRLV[Thr466Ile]SRSGWALPPA